The following is an entry in ClinVar:

NM_017950.4(CCDC40):c.1466G>T (p.Ser489Ile)

Gene: CCDC40 (coiled-coil domain 40 molecular ruler complex subunit; plus strand). Cytogenetic location: 17q25.3.
Variant type: single nucleotide variant.
Coding change: c.1466G>T on transcript NM_017950.4 (MANE Select); coding-DNA position 1466, G replaced by T.
Protein change: p.Ser489Ile; replaces serine 489 with isoleucine.
Molecular consequence: missense variant.
Genome position (GRCh38, 1-based): chr17:80,065,510, G>T. VCF-style: chr17-80065510-G-T. GRCh37 (hg19) VCF-style: chr17-78039309-G-T.
Other names: c.1466G>T, p.Ser489Ile (NM_001243342.2, NM_001330508.2); short protein forms S489I.
Identifiers: ClinVar variation 226489 (VCV000226489.27), dbSNP rs61739354, ClinGen allele CA8813851.

ClinVar aggregate classification (germline): Benign. Review status: criteria provided, multiple submitters, no conflicts (2 of 4 stars). 10 submissions from 10 submitters: Benign (10). Last evaluated 2026-01-28.

Conditions:
Primary ciliary dyskinesia. Also called: Ciliary dyskinesia. Identifiers: Orphanet 244, MedGen C0008780, MONDO:0016575, HP:0012265.
Primary ciliary dyskinesia 15. Also called: CILIARY DYSKINESIA, PRIMARY, 15, WITH OR WITHOUT SITUS INVERSUS. Identifiers: Orphanet 244, MedGen C3151137, MONDO:0013435, OMIM 613808.

Allele frequency attached by ClinVar (database versions not stated): 1000 Genomes Project 0.01597; gnomAD 0.01613 and 0.01486; 1000 Genomes Project 30x 0.01686; TOPMed 0.01687; gnomAD exomes 0.00370; ExAC 0.00443; ESP Exome Variant Server 0.01535.
gnomAD v4.1: 4,418 of 1,613,144 alleles (0.27%); highest among the groups gnomAD compares: African/African-American, 5.3%; 107 homozygotes.

Submissions (10):

Labcorp Genetics (formerly Invitae), Labcorp
Classification: Benign for Primary ciliary dyskinesia. Last evaluated: 2026-01-28. Review status: criteria provided, single submitter. Criteria: Invitae Variant Classification Sherloc (09022015). Collection method: clinical testing. Allele origin: germline.

ARUP Laboratories, Molecular Genetics and Genomics, ARUP Laboratories
Classification: Benign for Primary ciliary dyskinesia 15. Last evaluated: 2025-02-14. Review status: criteria provided, single submitter. Criteria: ARUP Molecular Germline Variant Investigation Process 2024. Collection method: clinical testing. Allele origin: germline.

Mayo Clinic Laboratories, Mayo Clinic
Classification: Benign. Last evaluated: 2023-12-31. Review status: criteria provided, single submitter. Criteria: ACMG Guidelines, 2015. Collection method: clinical testing. Allele origin: germline. Observed: 3 variant alleles.

Fulgent Genetics
Classification: Benign for Primary ciliary dyskinesia 15. Last evaluated: 2021-10-07. Review status: criteria provided, single submitter. Criteria: ACMG Guidelines, 2015. Collection method: clinical testing. Allele origin: unknown.

GeneDx
Classification: Benign. Last evaluated: 2018-07-09. Review status: criteria provided, single submitter. Criteria: GeneDx Variant Classification Process June 2021. Collection method: clinical testing. Allele origin: germline. Affected: yes.

Illumina Laboratory Services, Illumina
Classification: Benign for Primary ciliary dyskinesia 15. Last evaluated: 2018-01-13. Review status: criteria provided, single submitter. Criteria: ICSL Variant Classification Criteria 13 December 2019. Collection method: clinical testing. Allele origin: germline.
Comment: This variant was observed in the ICSL laboratory as part of a predisposition screen in an ostensibly healthy population. It had not been previously curated by ICSL or reported in the Human Gene Mutation Database (HGMD: prior to June 1st, 2018), and was therefore a candidate for classification through an automated scoring system. Utilizing variant allele frequency, disease prevalence and penetrance estimates, and inheritance mode, an automated score was calculated to assess if this variant is too frequent to cause the disease. Based on the score and internal cut-off values, a variant classified as benign is not then subjected to further curation. The score for this variant resulted in a classification of benign for this disease.

Ambry Genetics
Classification: Benign for Primary ciliary dyskinesia. Last evaluated: 2017-03-13. Review status: criteria provided, single submitter. Criteria: Ambry Variant Classification Scheme 2023. Collection method: clinical testing. Allele origin: germline.

Laboratory for Molecular Medicine, Mass General Brigham Personalized Medicine
Classification: Benign. Last evaluated: 2013-02-21. Review status: criteria provided, single submitter. Criteria: LMM Criteria. Collection method: clinical testing. Allele origin: germline. Observed: 2 variant alleles.
Comment: Ser489Ile in exon 10 of CCDC40: This variant is not expected to have clinical si gnificance because it has been identified in 4.6% (195/4250) of African American chromosomes from a broad population by the NHLBI Exome Sequencing Project (dbSNP rs61739354).

Breakthrough Genomics
Classification: Benign. Review status: criteria provided, single submitter. Criteria: ACMG Guidelines, 2015. Collection method: not provided. Allele origin: germline. Inheritance: Autosomal recessive inheritance. Affected: yes.

PreventionGenetics, part of Exact Sciences
Classification: Benign. Review status: criteria provided, single submitter. Criteria: ACMG Guidelines, 2015. Collection method: clinical testing. Allele origin: germline.